The following is an entry in ClinVar:

ClinVar aggregate classification (germline): Benign/Likely benign. Review status: criteria provided, multiple submitters, no conflicts (2 of 4 stars). 6 submissions from 5 submitters: Benign (4); Likely benign (2). Last evaluated 2026-02-01.

Conditions:
Baraitser-winter syndrome 2. Identifiers: Orphanet 2995, MedGen C3281235, MONDO:0013812, OMIM 614583.
Autosomal dominant nonsyndromic hearing loss 20. Identifiers: Orphanet 90635, MedGen C1858172, MONDO:0011480, OMIM 604717.

Allele frequency attached by ClinVar (database versions not stated): 1000 Genomes Project 30x 0.00031; 1000 Genomes Project 0.00040; gnomAD 0.00106; TOPMed 0.00108; ESP Exome Variant Server 0.00169.
gnomAD v4.1: 2,565 of 1,612,124 alleles (0.16%); highest among the groups gnomAD compares: South Asian, 0.2%; 10 homozygotes.

Submissions (6):

CeGaT Center for Human Genetics Tuebingen
Classification: Likely benign. Last evaluated: 2026-02-01. Review status: criteria provided, single submitter. Criteria: CeGaT Center For Human Genetics Tuebingen Variant Classification Criteria Version 2. Collection method: clinical testing. Allele origin: germline. Affected: yes. Observed: 5 variant alleles.
Comment: ACTG1: BP4, BP7, BS1

Labcorp Genetics (formerly Invitae), Labcorp
Classification: Benign for Baraitser-winter syndrome 2; Autosomal dominant nonsyndromic hearing loss 20. Last evaluated: 2026-01-20. Review status: criteria provided, single submitter. Criteria: Invitae Variant Classification Sherloc (09022015). Collection method: clinical testing. Allele origin: germline.

Blueprint Genetics
Classification: Likely benign. Last evaluated: 2024-11-15. Review status: criteria provided, single submitter. Criteria: ACMG Guidelines, 2015. Collection method: clinical testing. Allele origin: germline.

Genome-Nilou Lab
Classification: Benign for Baraitser-winter syndrome 2. Last evaluated: 2021-12-05. Review status: criteria provided, single submitter. Criteria: ACMG Guidelines, 2015. Collection method: clinical testing. Allele origin: germline. Affected: no.

Genome-Nilou Lab
Classification: Benign for Autosomal dominant nonsyndromic hearing loss 20. Last evaluated: 2021-12-05. Review status: criteria provided, single submitter. Criteria: ACMG Guidelines, 2015. Collection method: clinical testing. Allele origin: germline. Affected: no.

GeneDx
Classification: Benign. Last evaluated: 2017-10-25. Review status: criteria provided, single submitter. Criteria: GeneDx Variant Classification (06012015). Collection method: clinical testing. Allele origin: germline. Affected: yes.
Comment: This variant is considered likely benign or benign based on one or more of the following criteria: it is a conservative change, it occurs at a poorly conserved position in the protein, it is predicted to be benign by multiple in silico algorithms, and/or has population frequency not consistent with disease.

NM_001614.5(ACTG1):c.1029C>T (p.Gly343=)

Gene: ACTG1 (actin gamma 1; minus strand). Cytogenetic location: 17q25.3.
Variant type: single nucleotide variant.
Coding change: c.1029C>T on transcript NM_001614.5 (MANE Select); coding-DNA position 1029, C replaced by T.
Protein change: p.Gly343=; no amino-acid change (glycine 343 retained).
Molecular consequence: synonymous variant. On other transcripts: non-coding transcript variant (1).
Genome position (GRCh38, 1-based): chr17:81,510,789, G>A on the plus strand (C>T on the coding strand, the complement: ACTG1 is on the minus strand). VCF-style: chr17-81510789-G-A. GRCh37 (hg19) VCF-style: chr17-79477815-G-A.
Other names: c.1029C>T, p.Gly343= (NM_001199954.3).
Identifiers: ClinVar variation 516556 (VCV000516556.36), dbSNP rs143659814, ClinGen allele CA8835836.
Genomic context (GRCh38, chr17:81,510,789, plus strand): 5'-GTCGTACTCCTGCTTGCTAATCCACATCTGCTGGAAGGTGGACAGTGAGGCCAGGATGGA[G>A]CCACCGATCCACACCGAGTACTTGCGCTCTGGGGGTGCGATGATCTGCAAAGACAGCCAG-3'
Protein context (NP_001605.1, residues 333-353): PERKYSVWIG[Gly343=]SILASLSTFQ